The following is an entry in ClinVar:

ClinVar aggregate classification (germline): Uncertain significance (1 of 4 stars; one submission).

Conditions:
Cardiovascular phenotype. Identifiers: MedGen CN230736.

gnomAD v4.1: 1 of 1,545,826 alleles (0.000065%); no homozygotes.

Submission:

Ambry Genetics
Classification: Uncertain significance for Cardiovascular phenotype. Last evaluated: 2024-06-17. Review status: criteria provided, single submitter. Criteria: Ambry Variant Classification Scheme 2023. Collection method: clinical testing. Allele origin: germline.
Comment: The p.T910N variant (also known as c.2729C>A), located in coding exon 1 of the ZNF469 gene, results from a C to A substitution at nucleotide position 2729. The threonine at codon 910 is replaced by asparagine, an amino acid with similar properties. This amino acid position is conserved. In addition, this alteration is predicted to be tolerated by in silico analysis. Based on the available evidence, the clinical significance of this variant remains unclear.

NM_001367624.2(ZNF469):c.2729C>A (p.Thr910Asn)

Gene: ZNF469 (zinc finger protein 469; plus strand). Cytogenetic location: 16q24.2.
Variant type: single nucleotide variant.
Coding change: c.2729C>A on transcript NM_001367624.2 (MANE Select); coding-DNA position 2729, C replaced by A.
Protein change: p.Thr910Asn; replaces threonine 910 with asparagine.
Molecular consequence: missense variant.
Genome position (GRCh38, 1-based): chr16:88,430,199, C>A. VCF-style: chr16-88430199-C-A. GRCh37 (hg19) VCF-style: chr16-88496607-C-A.
Other names: NM_001127464.1:c.2729C>A; short protein forms T910N.
Identifiers: ClinVar variation 3258288 (VCV003258288.1).